The following is an entry in ClinVar:

ClinVar aggregate classification (germline): Conflicting classifications of pathogenicity. Review status: criteria provided, conflicting classifications (1 of 4 stars). 4 submissions from 4 submitters: Uncertain significance (3); Likely benign (1). Last evaluated 2023-03-23.

Conditions:
Hereditary cancer-predisposing syndrome. Also called: Tumor predisposition; Hereditary neoplastic syndrome; Neoplastic Syndromes, Hereditary; Hereditary Cancer Syndrome. Identifiers: Orphanet 140162, MedGen C0027672, MeSH D009386, MONDO:0015356.
Hereditary breast ovarian cancer syndrome. Also called: Hereditary breast and ovarian cancer syndrome (HBOC); Breast and ovarian cancer; BRCA1- and BRCA2-Associated Hereditary Breast and Ovarian Cancer; Hereditary breast and/or ovarian cancer syndrome; Hereditary breast and ovarian cancer syndrome; Hereditary breast and ovarian cancer. Identifiers: Orphanet 145, MedGen C0677776, MeSH D061325, MONDO:0003582. Disease mechanism: loss of function.

Submissions (4):

University of Washington Department of Laboratory Medicine, University of Washington
Classification: Likely benign for Hereditary cancer-predisposing syndrome. Last evaluated: 2023-03-23. Review status: criteria provided, single submitter. Criteria: Dines et al. (Genet Med. 2020). Collection method: curation. Allele origin: germline.
Comment: Missense variant in a coldspot region where missense variants are very unlikely to be pathogenic (PMID:31911673).

BRCA2 exon 10 coldspot. Reclassification based on statistical prior probability.

GeneDx
Classification: Uncertain significance. Last evaluated: 2023-03-06. Review status: criteria provided, single submitter. Criteria: GeneDx Variant Classification Process June 2021. Collection method: clinical testing. Allele origin: germline. Affected: yes.
Comment: Not observed at significant frequency in large population cohorts (gnomAD); In silico analysis supports that this missense variant does not alter protein structure/function; Has not been previously published as pathogenic or benign to our knowledge; Also known as 1633G>A; This variant is associated with the following publications: (PMID: 32377563, 29884841)

Ambry Genetics
Classification: Uncertain significance for Hereditary cancer-predisposing syndrome. Last evaluated: 2021-09-07. Review status: criteria provided, single submitter. Criteria: Ambry Variant Classification Scheme 2023. Collection method: clinical testing. Allele origin: germline.
Comment: The p.D469N variant (also known as c.1405G>A), located in coding exon 9 of the BRCA2 gene, results from a G to A substitution at nucleotide position 1405. The aspartic acid at codon 469 is replaced by asparagine, an amino acid with highly similar properties. This amino acid position is not well conserved in available vertebrate species. In addition, this alteration is predicted to be tolerated by in silico analysis. Since supporting evidence is limited at this time, the clinical significance of this alteration remains unclear.

Labcorp Genetics (formerly Invitae), Labcorp
Classification: Uncertain significance for Hereditary breast ovarian cancer syndrome. Last evaluated: 2019-04-10. Review status: criteria provided, single submitter. Criteria: Invitae Variant Classification Sherloc (09022015). Collection method: clinical testing. Allele origin: germline.
Comment: This sequence change replaces aspartic acid with asparagine at codon 469 of the BRCA2 protein (p.Asp469Asn). The aspartic acid residue is weakly conserved and there is a small physicochemical difference between aspartic acid and asparagine. This variant is not present in population databases (ExAC no frequency). This variant has not been reported in the literature in individuals with BRCA2-related conditions. Algorithms developed to predict the effect of missense changes on protein structure and function output the following: SIFT: "Tolerated"; PolyPhen-2: "Benign"; Align-GVGD: "Class C0". The asparagine amino acid residue is found in multiple mammalian species, suggesting that this missense change does not adversely affect protein function. These predictions have not been confirmed by published functional studies and their clinical significance is uncertain. In summary, the available evidence is currently insufficient to determine the role of this variant in disease. Therefore, it has been classified as a Variant of Uncertain Significance.

NM_000059.4(BRCA2):c.1405G>A (p.Asp469Asn)

Gene: BRCA2 (BRCA2 DNA repair associated; plus strand). Cytogenetic location: 13q13.1.
Variant type: single nucleotide variant.
Coding change: c.1405G>A on transcript NM_000059.4 (MANE Select); coding-DNA position 1405, G replaced by A.
Protein change: p.Asp469Asn; replaces aspartic acid 469 with asparagine.
Molecular consequence: missense variant.
Genome position (GRCh38, 1-based): chr13:32,332,883, G>A. VCF-style: chr13-32332883-G-A. GRCh37 (hg19) VCF-style: chr13-32907020-G-A.
Other names: short protein forms D469N.
Identifiers: ClinVar variation 819127 (VCV000819127.16), dbSNP rs398122727, ClinGen allele CA387764166.
Genomic context (GRCh38, chr13:32,332,883, plus strand): 5'-ATTTCTAGCCTACCAAAATCAGAGAAGCCATTAAATGAGGAAACAGTGGTAAATAAGAGA[G>A]ATGAAGAGCAGCATCTTGAATCTCATACAGACTGCATTCTTGCAGTAAAGCAGGCAATAT-3'
Protein context (NP_000050.3, residues 459-479): LNEETVVNKR[Asp469Asn]EEQHLESHTD